The following is an entry in ClinVar:

NM_001723.7(DST):c.6868A>T (p.Arg2290Ter)

Gene: DST (dystonin; minus strand). Cytogenetic location: 6p12.1.
Variant type: single nucleotide variant.
Coding change: c.6868A>T on transcript NM_001723.7 (MANE Plus Clinical); coding-DNA position 6868, A replaced by T.
Protein change: p.Arg2290Ter; replaces arginine 2290 with a stop codon.
Molecular consequence: nonsense. On other transcripts: intron variant (10).
Genome position (GRCh38, 1-based): chr6:56,616,599, T>A on the plus strand (A>T on the coding strand, the complement: DST is on the minus strand). VCF-style: chr6-56616599-T-A. GRCh37 (hg19) VCF-style: chr6-56481397-T-A.
Other names: c.3319-2115A>T (NM_015548.5); c.4297-2115A>T (NM_183380.4, NM_001374729.1, NM_001374730.1 and 1 more transcripts); c.4831-2115A>T (NM_001144769.5); c.4930-2115A>T (NM_001374722.1, NM_001374736.1); c.4957-2115A>T (NM_001374734.1); c.4417-2115A>T (NM_001144770.2); short protein forms R2290*.
Identifiers: ClinVar variation 4850329 (VCV004850329.1).
Genomic context (GRCh38, chr6:56,616,599, plus strand): 5'-ACATTCGCAGTAATTCTGAGTAATACAGAGCTTGCTTGTTATTGGGATTAGGGAAAACTC[T>A]TGTGTTGCTGGATGGCTCATGTAAAAACTGTAAGATGGCATTATTCAACAACCCCTGCTG-3'

ClinVar aggregate classification (germline): Likely pathogenic (1 of 4 stars; one submission).

Conditions:
Epidermolysis bullosa simplex 3, localized or generalized intermediate, with BP230 deficiency (EBS3). Also called: Epidermolysis bullosa simplex, autosomal recessive 2; Epidermolysis bullosa simplex due to BP230 deficiency. Identifiers: Orphanet 412181, MedGen C3809470, MONDO:0014180, OMIM 615425.
Hereditary sensory and autonomic neuropathy type 6. Also called: HSAN VI; Neuropathy, hereditary sensory and autonomic, type VI. Identifiers: Orphanet 314381, MedGen C3539003, MONDO:0013839, OMIM 614653.

gnomAD v4.1: 19 of 1,614,156 alleles (0.0012%); highest among the groups gnomAD compares: South Asian, 0.021%; no homozygotes.

Submission:

First Genomix Gene Laboratory, Genetic Diagnostics Department
Classification: Likely pathogenic for Epidermolysis bullosa simplex 3, localized or generalized intermediate, with BP230 deficiency; Hereditary sensory and autonomic neuropathy type 6. Last evaluated: 2025-09-15. Review status: criteria provided, single submitter. Criteria: ACMG Guidelines, 2015. Collection method: clinical testing. Allele origin: germline. Inheritance: Autosomal recessive inheritance. Affected: no. Observed: 1 variant allele.